The following is an entry in ClinVar:

ClinVar aggregate classification (germline): Uncertain significance (1 of 4 stars; one submission).

gnomAD v4.1: 31 of 1,613,364 alleles (0.0019%); highest among the groups gnomAD compares: Admixed American, 0.018%; no homozygotes.

Submission:

Labcorp Genetics (formerly Invitae), Labcorp
Classification: Uncertain significance. Last evaluated: 2022-01-15. Review status: criteria provided, single submitter. Criteria: Invitae Variant Classification Sherloc (09022015). Collection method: clinical testing. Allele origin: germline.
Comment: In summary, the available evidence is currently insufficient to determine the role of this variant in disease. Therefore, it has been classified as a Variant of Uncertain Significance. Algorithms developed to predict the effect of sequence changes on RNA splicing suggest that this variant may create or strengthen a splice site. This variant has not been reported in the literature in individuals affected with ACE-related conditions. This variant is present in population databases (rs34241302, gnomAD 0.02%). This sequence change affects codon 447 of the ACE mRNA. It is a 'silent' change, meaning that it does not change the encoded amino acid sequence of the ACE protein. It affects a nucleotide within the consensus splice site.

NM_000789.4(ACE):c.1341G>A (p.Thr447=)

Gene: ACE (angiotensin I converting enzyme; plus strand). Cytogenetic location: 17q23.3.
Variant type: single nucleotide variant.
Coding change: c.1341G>A on transcript NM_000789.4 (MANE Select); coding-DNA position 1341, G replaced by A.
Protein change: p.Thr447=; no amino-acid change (threonine 447 retained).
Molecular consequence: synonymous variant.
Genome position (GRCh38, 1-based): chr17:63,482,688, G>A. VCF-style: chr17-63482688-G-A. GRCh37 (hg19) VCF-style: chr17-61560049-G-A.
Other names: c.774G>A, p.Thr258= (NM_001382700.1); c.489G>A, p.Thr163= (NM_001382701.1).
Identifiers: ClinVar variation 2203202 (VCV002203202.2), dbSNP rs34241302, ClinGen allele CA8699484.
Genomic context (GRCh38, chr17:63,482,688, plus strand): 5'-GGTCTCCACTCCTGAACATCTGCACAAAATCGGCCTGCTGGACCGTGTCACCAATGACAC[G>A]GGTATGGGAGGGCTGAGAGGCCCCCACCCAGCCTCACCTAAACCCCGCTCCACCCCACAG-3'
Protein context (NP_000780.1, residues 437-457): IGLLDRVTND[Thr447=]ESDINYLLKM